The following is an entry in ClinVar:

ClinVar aggregate classification (germline): Uncertain significance (1 of 4 stars; one submission).

Conditions:
Ciliary dyskinesia, primary, 37 (CILD37). Also called: CILIARY DYSKINESIA, PRIMARY, 37, WITH OR WITHOUT SITUS INVERSUS. Identifiers: MedGen C4539798, MONDO:0033204, OMIM 617577.
Spermatogenic failure 18. Identifiers: MedGen C4539783, MONDO:0054615, OMIM 617576.

gnomAD v4.1: 4 of 1,613,966 alleles (0.00025%); highest among the groups gnomAD compares: Non-Finnish European, 0.00034%; no homozygotes.

Submission:

Labcorp Genetics (formerly Invitae), Labcorp
Classification: Uncertain significance for Ciliary dyskinesia, primary, 37; Spermatogenic failure 18. Last evaluated: 2022-07-05. Review status: criteria provided, single submitter. Criteria: Invitae Variant Classification Sherloc (09022015). Collection method: clinical testing. Allele origin: germline.
Comment: In summary, the available evidence is currently insufficient to determine the role of this variant in disease. Therefore, it has been classified as a Variant of Uncertain Significance. Algorithms developed to predict the effect of missense changes on protein structure and function (SIFT, PolyPhen-2, Align-GVGD) all suggest that this variant is likely to be disruptive. ClinVar contains an entry for this variant (Variation ID: 1354742). This variant has not been reported in the literature in individuals affected with DNAH1-related conditions. This variant is not present in population databases (gnomAD no frequency). This sequence change replaces proline, which is neutral and non-polar, with alanine, which is neutral and non-polar, at codon 2010 of the DNAH1 protein (p.Pro2010Ala).

NM_015512.5(DNAH1):c.6028C>G (p.Pro2010Ala)

Gene: DNAH1 (dynein axonemal heavy chain 1; plus strand). Cytogenetic location: 3p21.1.
Variant type: single nucleotide variant.
Coding change: c.6028C>G on transcript NM_015512.5 (MANE Select); coding-DNA position 6028, C replaced by G.
Protein change: p.Pro2010Ala; replaces proline 2010 with alanine.
Molecular consequence: missense variant.
Genome position (GRCh38, 1-based): chr3:52,369,909, C>G. VCF-style: chr3-52369909-C-G. GRCh37 (hg19) VCF-style: chr3-52403925-C-G.
Other names: short protein forms P2010A.
Identifiers: ClinVar variation 1354742 (VCV001354742.6), dbSNP rs2153224678, ClinGen allele CA353155282.